The following is an entry in ClinVar:

NM_004656.4(BAP1):c.1237A>G (p.Asn413Asp)

Gene: BAP1 (BRCA1 associated deubiquitinase 1; minus strand). Cytogenetic location: 3p21.1.
Variant type: single nucleotide variant.
Coding change: c.1237A>G on transcript NM_004656.4 (MANE Select); coding-DNA position 1237, A replaced by G.
Protein change: p.Asn413Asp; replaces asparagine 413 with aspartic acid.
Molecular consequence: missense variant.
Genome position (GRCh38, 1-based): chr3:52,404,466, T>C on the plus strand (A>G on the coding strand, the complement: BAP1 is on the minus strand). VCF-style: chr3-52404466-T-C. GRCh37 (hg19) VCF-style: chr3-52438482-T-C.
Other names: short protein forms N413D.
Identifiers: ClinVar variation 839060 (VCV000839060.10), dbSNP rs1705080415, ClinGen allele CA353102773.
Genomic context (GRCh38, chr3:52,404,466, plus strand): 5'-GGATCCGAAGCACCTAGAACCTGGTAGCCTTAGAAAGCTGGGCTGACCTAAGGGCAGAGT[T>C]GGTGTTCTGCACGTCATCCTCCTCGTCATCCTCATAGTCATCCTCATCATCTGAGTACTG-3'
Protein context (NP_004647.1, residues 403-423): DDEEDDVQNT[Asn413Asp]SALRYKGKGT

ClinVar aggregate classification (germline): Uncertain significance. Review status: criteria provided, multiple submitters, no conflicts (2 of 4 stars). 2 submissions from 2 submitters: Uncertain significance (2). Last evaluated 2023-06-22.

Conditions:
Hereditary cancer-predisposing syndrome. Also called: Neoplastic Syndromes, Hereditary; Tumor predisposition; Hereditary neoplastic syndrome; Hereditary Cancer Syndrome. Identifiers: Orphanet 140162, MedGen C0027672, MeSH D009386, MONDO:0015356.
BAP1-related tumor predisposition syndrome (TPDS1). Also called: BAP1 tumor predisposition syndrome; Tumor susceptibility linked to germline BAP1 mutations; TUMOR PREDISPOSITION SYNDROME 1; COMMON Syndrome. Identifiers: Orphanet 289539, MedGen C3280492, MONDO:0013692, OMIM 614327.

Allele frequency attached by ClinVar (database versions not stated): gnomAD exomes below 0.00001.

Submissions (2):

Ambry Genetics
Classification: Uncertain significance for Hereditary cancer-predisposing syndrome. Last evaluated: 2023-06-22. Review status: criteria provided, single submitter. Criteria: Ambry Variant Classification Scheme 2023. Collection method: clinical testing. Allele origin: germline.
Comment: The p.N413D variant (also known as c.1237A>G), located in coding exon 12 of the BAP1 gene, results from an A to G substitution at nucleotide position 1237. The asparagine at codon 413 is replaced by aspartic acid, an amino acid with highly similar properties. This amino acid position is conserved. In addition, this alteration is predicted to be tolerated by in silico analysis. Since supporting evidence is limited at this time, the clinical significance of this alteration remains unclear.

Labcorp Genetics (formerly Invitae), Labcorp
Classification: Uncertain significance for BAP1-related tumor predisposition syndrome. Last evaluated: 2019-04-14. Review status: criteria provided, single submitter. Criteria: Invitae Variant Classification Sherloc (09022015). Collection method: clinical testing. Allele origin: germline.
Comment: In summary, the available evidence is currently insufficient to determine the role of this variant in disease. Therefore, it has been classified as a Variant of Uncertain Significance. Algorithms developed to predict the effect of missense changes on protein structure and function (SIFT, PolyPhen-2, Align-GVGD) all suggest that this variant is likely to be tolerated, but these predictions have not been confirmed by published functional studies and their clinical significance is uncertain. This variant has not been reported in the literature in individuals with BAP1-related conditions. This variant is not present in population databases (ExAC no frequency). This sequence change replaces asparagine with aspartic acid at codon 413 of the BAP1 protein (p.Asn413Asp). The asparagine residue is weakly conserved and there is a small physicochemical difference between asparagine and aspartic acid.